The following is an entry in ClinVar:

NM_053025.4(MYLK):c.2351T>C (p.Val784Ala)

Gene: MYLK (myosin light chain kinase; minus strand). Cytogenetic location: 3q21.1.
Variant type: single nucleotide variant.
Coding change: c.2351T>C on transcript NM_053025.4 (MANE Select); coding-DNA position 2351, T replaced by C.
Protein change: p.Val784Ala; replaces valine 784 with alanine.
Molecular consequence: missense variant.
Genome position (GRCh38, 1-based): chr3:123,707,793, A>G on the plus strand (T>C on the coding strand, the complement: MYLK is on the minus strand). VCF-style: chr3-123707793-A-G. GRCh37 (hg19) VCF-style: chr3-123426640-A-G.
Other names: c.1823T>C, p.Val608Ala (NM_001321309.2); c.2144T>C, p.Val715Ala (NM_053026.4, NM_053028.4); c.2351T>C, p.Val784Ala (NM_053027.4); short protein forms V608A, V715A, V784A.
Identifiers: ClinVar variation 2998599 (VCV002998599.3), dbSNP rs1335952678, ClinGen allele CA354233729.

ClinVar aggregate classification (germline): Uncertain significance (1 of 4 stars; one submission).

Conditions:
Aortic aneurysm, familial thoracic 7 (AAT7). Also called: AORTIC DISSECTION, FAMILIAL, WITH OR WITHOUT AORTIC ANEURYSM. Identifiers: MedGen C3151077, MONDO:0013418, OMIM 613780.

Allele frequency attached by ClinVar (database versions not stated): TOPMed below 0.00001; gnomAD 0.00001; gnomAD exomes 0.00001.
gnomAD v4.1: 11 of 1,614,082 alleles (0.00068%); highest among the groups gnomAD compares: Non-Finnish European, 0.00085%; no homozygotes.

Submission:

Labcorp Genetics (formerly Invitae), Labcorp
Classification: Uncertain significance for Aortic aneurysm, familial thoracic 7. Last evaluated: 2025-03-12. Review status: criteria provided, single submitter. Criteria: Invitae Variant Classification Sherloc (09022015). Collection method: clinical testing. Allele origin: germline.
Comment: This sequence change replaces valine, which is neutral and non-polar, with alanine, which is neutral and non-polar, at codon 784 of the MYLK protein (p.Val784Ala). This variant is not present in population databases (gnomAD no frequency). This variant has not been reported in the literature in individuals affected with MYLK-related conditions. ClinVar contains an entry for this variant (Variation ID: 2998599). Invitae Evidence Modeling of protein sequence and biophysical properties (such as structural, functional, and spatial information, amino acid conservation, physicochemical variation, residue mobility, and thermodynamic stability) indicates that this missense variant is not expected to disrupt MYLK protein function with a negative predictive value of 80%. In summary, the available evidence is currently insufficient to determine the role of this variant in disease. Therefore, it has been classified as a Variant of Uncertain Significance.